The following is an entry in ClinVar:

NM_005535.3(IL12RB1):c.637C>T (p.Arg213Trp)

Gene: IL12RB1 (interleukin 12 receptor subunit beta 1; minus strand). Cytogenetic location: 19p13.11.
Variant type: single nucleotide variant.
Coding change: c.637C>T on transcript NM_005535.3 (MANE Select); coding-DNA position 637, C replaced by T.
Protein change: p.Arg213Trp; replaces arginine 213 with tryptophan.
Molecular consequence: missense variant.
Genome position (GRCh38, 1-based): chr19:18,075,812, G>A on the plus strand (C>T on the coding strand, the complement: IL12RB1 is on the minus strand). VCF-style: chr19-18075812-G-A. GRCh37 (hg19) VCF-style: chr19-18186622-G-A.
Other names: c.637C>T, p.Arg213Trp (NM_001290023.2, NM_153701.3); c.757C>T, p.Arg253Trp (NM_001290024.2); short protein forms R213W, R253W.
Identifiers: ClinVar variation 8035 (VCV000008035.8), dbSNP rs121434494, ClinGen allele CA119245.

ClinVar aggregate classification (germline): Pathogenic. Review status: criteria provided, single submitter (1 of 4 stars). 2 submissions from 2 submitters: Pathogenic (1). 1 of the submissions does not count toward it. Last evaluated 2023-03-30.

Conditions:
Mendelian susceptibility to mycobacterial diseases due to complete IL12RB1 deficiency. Also called: IL12RB1 DEFICIENCY; Immunodeficiency 30. Identifiers: Orphanet 319552, MedGen C4013949, MONDO:0013955, OMIM 614891.

Allele frequency attached by ClinVar (database versions not stated): gnomAD exomes 0.00001 and 0.00003; ExAC 0.00002.
gnomAD v4.1: 17 of 1,611,590 alleles (0.0011%); highest among the groups gnomAD compares: East Asian, 0.0067%; no homozygotes.

Submissions (2):

Labcorp Genetics (formerly Invitae), Labcorp
Classification: Pathogenic for Mendelian susceptibility to mycobacterial diseases due to complete IL12RB1 deficiency. Last evaluated: 2023-03-30. Review status: criteria provided, single submitter. Criteria: Invitae Variant Classification Sherloc (09022015). Collection method: clinical testing. Allele origin: germline.
Comment: Experimental studies have shown that this missense change affects IL12RB1 function (PMID: 11313259, 11424023, 16293671). For these reasons, this variant has been classified as Pathogenic. Advanced modeling of protein sequence and biophysical properties (such as structural, functional, and spatial information, amino acid conservation, physicochemical variation, residue mobility, and thermodynamic stability) performed at Invitae indicates that this missense variant is expected to disrupt IL12RB1 protein function. ClinVar contains an entry for this variant (Variation ID: 8035). This missense change has been observed in individual(s) with clinical features of mendelian susceptibility to mycobacterial disease (PMID: 11313259, 11424023, 12591909, 21057261, 31367980). In at least one individual the data is consistent with being in trans (on the opposite chromosome) from a pathogenic variant. This variant is present in population databases (rs121434494, gnomAD 0.01%). This sequence change replaces arginine, which is basic and polar, with tryptophan, which is neutral and slightly polar, at codon 213 of the IL12RB1 protein (p.Arg213Trp).

OMIM
Classification: Pathogenic for IMMUNODEFICIENCY 30. Last evaluated: 2001-07-15. Review status: no assertion criteria provided. Collection method: literature only. Allele origin: germline. Not counted in ClinVar's aggregate classification.

Literature cited by the submitters: PubMed 11313259 (cited by Labcorp Genetics (formerly Invitae), Labcorp); PubMed 11424023 (cited by Labcorp Genetics (formerly Invitae), Labcorp and OMIM); PubMed 16293671 (cited by Labcorp Genetics (formerly Invitae), Labcorp); PubMed 12591909 (cited by Labcorp Genetics (formerly Invitae), Labcorp); PubMed 21057261 (cited by Labcorp Genetics (formerly Invitae), Labcorp); PubMed 31367980 (cited by Labcorp Genetics (formerly Invitae), Labcorp).